The following is an entry in ClinVar:

NM_020975.6(RET):c.1276T>C (p.Cys426Arg)

Gene: RET (ret proto-oncogene; plus strand). Cytogenetic location: 10q11.21.
Variant type: single nucleotide variant.
Coding change: c.1276T>C on transcript NM_020975.6 (MANE Select); coding-DNA position 1276, T replaced by C.
Protein change: p.Cys426Arg; replaces cysteine 426 with arginine.
Molecular consequence: missense variant. On other transcripts: intron variant (15).
Genome position (GRCh38, 1-based): chr10:43,111,219, T>C. VCF-style: chr10-43111219-T-C. GRCh37 (hg19) VCF-style: chr10-43606667-T-C.
Other names: c.838T>C, p.Cys280Arg (NM_001406771.1, NM_001406773.1); c.880T>C, p.Cys294Arg (NM_001406772.1, NM_001406769.1); c.751T>C, p.Cys251Arg (NM_001406774.1); c.550T>C, p.Cys184Arg (NM_001406775.1, NM_001406776.1, NM_001406777.1 and 1 more transcripts); c.286T>C, p.Cys96Arg (NM_001406784.1); c.1276T>C, p.Cys426Arg (NM_020630.7, NM_001406743.1, NM_001406744.1 and 4 more transcripts); c.626-880T>C (NM_001406782.1, NM_001406780.1, NM_001406779.1 and 3 more transcripts); c.497-880T>C (NM_001406786.1, NM_001406783.1); and 5 more; short protein forms C184R, C330R, C172R, C383R, C426R, C96R, C280R, C294R.
Identifiers: ClinVar variation 4545570 (VCV004545570.1).

ClinVar aggregate classification (germline): Uncertain significance (1 of 4 stars; one submission).

Conditions:
Hereditary cancer-predisposing syndrome. Also called: Tumor predisposition; Hereditary Cancer Syndrome; Hereditary neoplastic syndrome; Neoplastic Syndromes, Hereditary. Identifiers: Orphanet 140162, MedGen C0027672, MeSH D009386, MONDO:0015356.

Submission:

Ambry Genetics
Classification: Uncertain significance for Hereditary cancer-predisposing syndrome. Last evaluated: 2025-10-31. Review status: criteria provided, single submitter. Criteria: Ambry Variant Classification Scheme 2023. Collection method: clinical testing. Allele origin: germline.
Comment: The p.C426R variant (also known as c.1276T>C), located in coding exon 7 of the RET gene, results from a T to C substitution at nucleotide position 1276. The cysteine at codon 426 is replaced by arginine, an amino acid with highly dissimilar properties. This amino acid position is conserved. In addition, this alteration is predicted to be deleterious by in silico analysis. Based on the available evidence, the clinical significance of this variant remains unclear.